The following is an entry in ClinVar:

NM_001145715.3(KPNA7):c.755A>G (p.His252Arg)

Gene: KPNA7 (karyopherin subunit alpha 7; minus strand). Cytogenetic location: 7q22.1.
Variant type: single nucleotide variant.
Coding change: c.755A>G on transcript NM_001145715.3 (MANE Select); coding-DNA position 755, A replaced by G.
Protein change: p.His252Arg; replaces histidine 252 with arginine.
Molecular consequence: missense variant.
Genome position (GRCh38, 1-based): chr7:99,188,445, T>C on the plus strand (A>G on the coding strand, the complement: KPNA7 is on the minus strand). VCF-style: chr7-99188445-T-C. GRCh37 (hg19) VCF-style: chr7-98786068-T-C.
Other names: short protein forms H252R.
Identifiers: ClinVar variation 1475370 (VCV001475370.6), dbSNP rs912726009, ClinGen allele CA163745803.
Genomic context (GRCh38, chr7:99,188,445, plus strand): 5'-GAGCCGTCGGTGAGGTAGGACAGTGCCCAGCAGGCATCCGAGAGAACCTCACTGTCCTGG[T>C]GCTGCAGGAGGTGAAGGAGGGCCGGCAGTATCTGCTTCACCGCAGTGTCGCAAGGGTATG-3'
Protein context (NP_001139187.1, residues 242-262): ILPALLHLLQ[His252Arg]QDSEVLSDAC

ClinVar aggregate classification (germline): Uncertain significance (1 of 4 stars; one submission).

Allele frequency attached by ClinVar (database versions not stated): gnomAD 0.00001.
gnomAD v4.1: 1 of 1,551,504 alleles (0.000064%); highest among the groups gnomAD compares: Admixed American, 0.002%; no homozygotes.

Submission:

Labcorp Genetics (formerly Invitae), Labcorp
Classification: Uncertain significance. Last evaluated: 2022-03-02. Review status: criteria provided, single submitter. Criteria: Invitae Variant Classification Sherloc (09022015). Collection method: clinical testing. Allele origin: germline.
Comment: In summary, the available evidence is currently insufficient to determine the role of this variant in disease. Therefore, it has been classified as a Variant of Uncertain Significance. Algorithms developed to predict the effect of missense changes on protein structure and function (SIFT, PolyPhen-2, Align-GVGD) all suggest that this variant is likely to be tolerated. This variant has not been reported in the literature in individuals affected with KPNA7-related conditions. This variant is not present in population databases (gnomAD no frequency). This sequence change replaces histidine, which is basic and polar, with arginine, which is basic and polar, at codon 252 of the KPNA7 protein (p.His252Arg).